The following is an entry in ClinVar:

NM_001277115.2(DNAH11):c.3853-2A>G

Gene: DNAH11 (dynein axonemal heavy chain 11; plus strand). Cytogenetic location: 7p15.3.
Variant type: single nucleotide variant.
Coding change: c.3853-2A>G on transcript NM_001277115.2 (MANE Select); the canonical splice acceptor site of the intron before coding-DNA position 3853, A replaced by G.
Molecular consequence: splice acceptor variant.
Genome position (GRCh38, 1-based): chr7:21,615,112, A>G. VCF-style: chr7-21615112-A-G. GRCh37 (hg19) VCF-style: chr7-21654730-A-G.
Identifiers: ClinVar variation 2910901 (VCV002910901.4), dbSNP rs750640740, ClinGen allele CA4179809.
Genomic context (GRCh38, chr7:21,615,112, plus strand): 5'-AGAACTGCATGTCTTCTCTTTCTCTGGCAGTTTGTATGCAGGTGTTTATGTTCTCTCCTT[A>G]GGCAAATGAAGAGCTTGAGGCCTTAGAAGAAGAAATGTTGCAGATGCAAGAATCTACTCG-3'

ClinVar aggregate classification (germline): Likely pathogenic. Review status: criteria provided, multiple submitters, no conflicts (2 of 4 stars). 2 submissions from 2 submitters: Likely pathogenic (2). Last evaluated 2025-05-04.

Conditions:
Primary ciliary dyskinesia. Also called: Ciliary dyskinesia. Identifiers: Orphanet 244, MedGen C0008780, MONDO:0016575, HP:0012265.
Primary ciliary dyskinesia 7. Also called: CILIARY DYSKINESIA, PRIMARY, 7, WITH OR WITHOUT SITUS INVERSUS. Identifiers: Orphanet 244, MedGen C2678473, MONDO:0012748, OMIM 611884.

Allele frequency attached by ClinVar (database versions not stated): gnomAD exomes 0.00001; ExAC 0.00002.
gnomAD v4.1: 8 of 1,607,888 alleles (0.0005%); highest among the groups gnomAD compares: East Asian, 0.018%; no homozygotes.

Submissions (2):

Labcorp Genetics (formerly Invitae), Labcorp
Classification: Likely pathogenic for Primary ciliary dyskinesia. Last evaluated: 2025-05-04. Review status: criteria provided, single submitter. Criteria: Invitae Variant Classification Sherloc (09022015). Collection method: clinical testing. Allele origin: germline.
Comment: This sequence change affects an acceptor splice site in intron 20 of the DNAH11 gene. It is expected to disrupt RNA splicing. Variants that disrupt the donor or acceptor splice site typically lead to a loss of protein function (PMID: 16199547), and loss-of-function variants in DNAH11 are known to be pathogenic (PMID: 18022865, 20513915, 22184204). This variant is present in population databases (rs750640740, gnomAD 0.02%). This variant has not been reported in the literature in individuals affected with DNAH11-related conditions. ClinVar contains an entry for this variant (Variation ID: 2910901). Algorithms developed to predict the effect of sequence changes on RNA splicing suggest that this variant may disrupt the consensus splice site. In summary, the currently available evidence indicates that the variant is pathogenic, but additional data are needed to prove that conclusively. Therefore, this variant has been classified as Likely Pathogenic.

Broad Center for Mendelian Genomics, Broad Institute of MIT and Harvard
Classification: Likely pathogenic for Primary ciliary dyskinesia 7. Last evaluated: 2025-02-12. Review status: criteria provided, single submitter. Criteria: ACMG Guidelines, 2015. Collection method: curation. Allele origin: germline. Inheritance: Autosomal recessive inheritance.
Comment: The c.3853-2A>G variant in DNAH11 has been reported, in the compound heterozygous state, in 1 individual with primary ciliary dyskinesia (PMID: 37957793), and has been identified in 0.02% (8/44558) of East Asian chromosomes by the Genome Aggregation Database (gnomAD). Although this variant has been seen in the general population in a heterozygous state, its frequency is low enough to be consistent with a recessive carrier frequency. This variant has also been reported in ClinVar (Variation ID: 2910901) and has been interpreted as likely pathogenic by Invitae. This variant is located in the 5' splice region. Computational tools predict a splicing impact, though this information is not predictive enough to determine pathogenicity. Loss of function of the DNAH11 gene is an established disease mechanism in autosomal recessive primary ciliary dyskinesia. In summary, although additional studies are required to fully establish its clinical significance, this variant is likely pathogenic for autosomal recessive primary ciliary dyskinesia. ACMG/AMP Criteria applied: PVS1, PM3 (Richards 2015).

Literature cited by the submitters: PubMed 16199547 (cited by Labcorp Genetics (formerly Invitae), Labcorp); PubMed 18022865 (cited by Labcorp Genetics (formerly Invitae), Labcorp); PubMed 20513915 (cited by Labcorp Genetics (formerly Invitae), Labcorp); PubMed 22184204 (cited by Labcorp Genetics (formerly Invitae), Labcorp).